The following is an entry in ClinVar:

ClinVar aggregate classification (germline): Uncertain significance (1 of 4 stars; one submission).

Conditions:
Hereditary cancer-predisposing syndrome. Also called: Neoplastic Syndromes, Hereditary; Tumor predisposition; Hereditary Cancer Syndrome; Hereditary neoplastic syndrome. Identifiers: Orphanet 140162, MedGen C0027672, MeSH D009386, MONDO:0015356.

Submission:

Ambry Genetics
Classification: Uncertain significance for Hereditary cancer-predisposing syndrome. Last evaluated: 2026-04-05. Review status: criteria provided, single submitter. Criteria: Ambry Variant Classification Scheme 2023. Collection method: clinical testing. Allele origin: germline.
Comment: The p.D1759E variant (also known as c.5277C>A), located in coding exon 39 of the POLE gene, results from a C to A substitution at nucleotide position 5277. The aspartic acid at codon 1759 is replaced by glutamic acid, an amino acid with highly similar properties. This amino acid position is conserved. In addition, this alteration is predicted to be tolerated by in silico analysis. Based on the available evidence, the clinical significance of this variant remains unclear.

NM_006231.4(POLE):c.5277C>A (p.Asp1759Glu)

Gene: POLE (DNA polymerase epsilon, catalytic subunit; minus strand). Cytogenetic location: 12q24.33.
Variant type: single nucleotide variant.
Coding change: c.5277C>A on transcript NM_006231.4 (MANE Select); coding-DNA position 5277, C replaced by A.
Protein change: p.Asp1759Glu; replaces aspartic acid 1759 with glutamic acid.
Molecular consequence: missense variant.
Genome position (GRCh38, 1-based): chr12:132,641,748, G>T on the plus strand (C>A on the coding strand, the complement: POLE is on the minus strand). VCF-style: chr12-132641748-G-T. GRCh37 (hg19) VCF-style: chr12-133218334-G-T.
Other names: short protein forms D1759E.
Identifiers: ClinVar variation 4862263 (VCV004862263.1).